The following is an entry in ClinVar:

ClinVar aggregate classification (germline): Uncertain significance (1 of 4 stars; one submission).

Conditions:
Fanconi anemia (FA). Also called: Fanconi's anemia. Identifiers: Orphanet 84, MedGen C0015625, MeSH D005199, MONDO:0019391.

gnomAD v4.1: 14 of 1,614,188 alleles (0.00087%); highest among the groups gnomAD compares: Admixed American, 0.0067%; no homozygotes.

Submission:

Labcorp Genetics (formerly Invitae), Labcorp
Classification: Uncertain significance for Fanconi anemia. Last evaluated: 2025-02-25. Review status: criteria provided, single submitter. Criteria: Invitae Variant Classification Sherloc (09022015). Collection method: clinical testing. Allele origin: germline.
Comment: This sequence change replaces glutamic acid, which is acidic and polar, with lysine, which is basic and polar, at codon 222 of the SLX4 protein (p.Glu222Lys). This variant is present in population databases (rs766080551, gnomAD 0.01%). This variant has not been reported in the literature in individuals affected with SLX4-related conditions. An algorithm developed to predict the effect of missense changes on protein structure and function outputs the following: PolyPhen-2: "Benign". The lysine amino acid residue is found in multiple mammalian species, which suggests that this missense change does not adversely affect protein function. In summary, the available evidence is currently insufficient to determine the role of this variant in disease. Therefore, it has been classified as a Variant of Uncertain Significance.

NM_032444.4(SLX4):c.664G>A (p.Glu222Lys)

Gene: SLX4 (SLX4 structure-specific endonuclease subunit; minus strand). Cytogenetic location: 16p13.3.
Variant type: single nucleotide variant.
Coding change: c.664G>A on transcript NM_032444.4 (MANE Select); coding-DNA position 664, G replaced by A.
Protein change: p.Glu222Lys; replaces glutamic acid 222 with lysine.
Molecular consequence: missense variant.
Genome position (GRCh38, 1-based): chr16:3,606,570, C>T on the plus strand (G>A on the coding strand, the complement: SLX4 is on the minus strand). VCF-style: chr16-3606570-C-T. GRCh37 (hg19) VCF-style: chr16-3656571-C-T.
Other names: short protein forms E222K.
Identifiers: ClinVar variation 3606279 (VCV003606279.2).